The following is an entry in ClinVar:

NM_006767.4(LZTR1):c.651+3G>C

Gene: LZTR1 (leucine zipper like post translational regulator 1; plus strand). Cytogenetic location: 22q11.21.
Variant type: single nucleotide variant.
Coding change: c.651+3G>C on transcript NM_006767.4 (MANE Select); 3 bases into the intron after coding-DNA position 651, G replaced by C.
Molecular consequence: intron variant.
Genome position (GRCh38, 1-based): chr22:20,989,685, G>C. VCF-style: chr22-20989685-G-C. GRCh37 (hg19) VCF-style: chr22-21343974-G-C.
Identifiers: ClinVar variation 3541522 (VCV003541522.2).

ClinVar aggregate classification (germline): Likely pathogenic (1 of 4 stars; one submission).

Conditions:
Hereditary cancer-predisposing syndrome. Also called: Hereditary Cancer Syndrome; Hereditary neoplastic syndrome; Tumor predisposition; Neoplastic Syndromes, Hereditary. Identifiers: Orphanet 140162, MedGen C0027672, MeSH D009386, MONDO:0015356.
Cardiovascular phenotype. Identifiers: MedGen CN230736.

Submission:

Ambry Genetics
Classification: Likely pathogenic for Cardiovascular phenotype; Hereditary cancer-predisposing syndrome. Last evaluated: 2025-05-09. Review status: criteria provided, single submitter. Criteria: Ambry Variant Classification Scheme 2023. Collection method: clinical testing. Allele origin: germline.
Comment: The c.651+3G>C intronic variant results from a G to C substitution 3 nucleotides after coding exon 7 in the LZTR1 gene. This nucleotide position is not well conserved in available vertebrate species. In silico splice site analysis predicts that this alteration will weaken the native splice donor site. RNA studies have demonstrated that this alteration results in abnormal splicing in the set of samples tested (Ambry internal data). This variant is considered to be rare based on population cohorts in the Genome Aggregation Database (gnomAD). Loss-of-function variants in LZTR1 are related to an increased risk for schwannomas and autosomal recessive Noonan syndrome; however, such associations with autosomal dominant Noonan syndrome have not been observed (Piotrowski A et al. Nat Genet. 2014 Feb;46:182-7; Yamamoto GL et al. J Med Genet. 2015 Jun;52:413-21; Johnston JJ et al. Genet Med. 2018 10;20:1175-1185). Based on the supporting evidence, this variant is likely pathogenic for an increased risk of LZTR1-related schwannomatosis (SWN) and would be expected to cause autosomal recessive Noonan syndrome when present along with a second pathogenic or likely pathogenic variant on the other allele; however, the association of this alteration with autosomal dominant Noonan syndrome is unlikely.